The following is an entry in ClinVar:

ClinVar aggregate classification (germline): Uncertain significance (1 of 4 stars; one submission).

Submission:

GeneDx
Classification: Uncertain significance. Last evaluated: 2024-11-12. Review status: criteria provided, single submitter. Criteria: GeneDx Variant Classification Process June 2021. Collection method: clinical testing. Allele origin: germline. Affected: yes.
Comment: Not observed at significant frequency in large population cohorts (gnomAD); In silico analysis indicates that this missense variant does not alter protein structure/function; Has not been previously published as pathogenic or benign to our knowledge; Reported using an alternate transcript of the gene

NM_003128.3(SPTBN1):c.6420+71C>T

Gene: SPTBN1 (spectrin beta, non-erythrocytic 1; plus strand). Cytogenetic location: 2p16.2.
Variant type: single nucleotide variant.
Coding change: c.6420+71C>T on transcript NM_003128.3 (MANE Select); 71 bases into the intron after coding-DNA position 6420, C replaced by T.
Molecular consequence: intron variant. On other transcripts: missense variant (1).
Genome position (GRCh38, 1-based): chr2:54,660,070, C>T. VCF-style: chr2-54660070-C-T. GRCh37 (hg19) VCF-style: chr2-54887207-C-T.
Other names: c.6452C>T, p.Pro2151Leu (NM_178313.3); short protein forms P2151L.
Identifiers: ClinVar variation 3899213 (VCV003899213.1), dbSNP rs267599411.